The following is an entry in ClinVar:

NM_000525.4(KCNJ11):c.499A>C (p.Ile167Leu)

Gene: KCNJ11 (potassium inwardly rectifying channel subfamily J member 11; minus strand). Cytogenetic location: 11p15.1.
Variant type: single nucleotide variant.
Coding change: c.499A>C on transcript NM_000525.4 (MANE Select); coding-DNA position 499, A replaced by C.
Protein change: p.Ile167Leu; replaces isoleucine 167 with leucine.
Molecular consequence: missense variant.
Genome position (GRCh38, 1-based): chr11:17,387,593, T>G on the plus strand (A>C on the coding strand, the complement: KCNJ11 is on the minus strand). VCF-style: chr11-17387593-T-G. GRCh37 (hg19) VCF-style: chr11-17409140-T-G.
Other names: c.238A>C, p.Ile80Leu (NM_001166290.2, NM_001377296.1, NM_001377297.1); short protein forms I167L, I80L.
Identifiers: ClinVar variation 8680 (VCV000008680.6), dbSNP rs80356620, ClinGen allele CA119835.

ClinVar aggregate classification (germline): Benign. Review status: criteria provided, single submitter (1 of 4 stars). 3 submissions from 3 submitters: Benign (1). 2 of the submissions do not count toward it.

Conditions:
Diabetes mellitus, permanent neonatal 2. Also called: KCNJ11-Related Permanent Neonatal Diabetes Mellitus. Identifiers: MedGen C5394296, MONDO:0030087, OMIM 618856.
Maturity-onset diabetes of the young (MODY). Also called: Maturity onset diabetes mellitus in young. Identifiers: Orphanet 552, MedGen C0342276, MONDO:0018911, HP:0004904.
Permanent neonatal diabetes mellitus (PNDM). Identifiers: Orphanet 99885, MedGen C1833104, MONDO:0100164, MONDO:0011643. Disease mechanism: gain of function.

Submissions (3):

Clinical Genomics, Uppaluri K&H Personalized Medicine Clinic
Classification: Benign for Maturity-onset diabetes of the young. Review status: criteria provided, single submitter. Criteria: K & H Uppaluri Personalized Medicine Clinic Variant Classification & Assertion Criteria_Updated V.1. Collection method: research. Allele origin: somatic. Inheritance: Autosomal dominant inheritance. Affected: yes.
Comment: Mutations in KCNJ11 gene can cause decreased production and secretion of insulin. This can lead to MODY which is responsive to oral sulfonylureas. However, this particular variant (rs80356620) prevalence and significance in MODY or Type II diabetes is yet to be ascertained.

OMIM
Classification: Pathogenic for DIABETES MELLITUS, PERMANENT NEONATAL, 2, WITH NEUROLOGIC FEATURES. Last evaluated: 2007-09-25. Review status: no assertion criteria provided. Collection method: literature only. Allele origin: germline. Not counted in ClinVar's aggregate classification.

GeneReviews
No classification provided. Condition: Permanent neonatal diabetes mellitus. Review status: no classification provided. Collection method: literature only. Allele origin: unknown. Not counted in ClinVar's aggregate classification.

Literature cited by the submitters: PubMed 17652641 (cited by 3 submitters); PubMed 20301620 (cited by GeneReviews); NCBI Bookshelf NBK1447 (cited by GeneReviews).